The following is an entry in ClinVar:

ClinVar aggregate classification (germline): Conflicting classifications of pathogenicity. Review status: criteria provided, conflicting classifications (1 of 4 stars). 4 submissions from 4 submitters: Uncertain significance (3); Likely benign (1). Last evaluated 2025-08-24.

Conditions:
Hypertrophic cardiomyopathy. Also called: HYPERTROPHIC MYOCARDIOPATHY. Identifiers: Orphanet 217569, MedGen C0007194, MeSH D002312, MONDO:0005045, HP:0001639.
Cardiovascular phenotype. Identifiers: MedGen CN230736.
Andersen Tawil syndrome (LQT7). Also called: ANDERSEN CARDIODYSRHYTHMIC PERIODIC PARALYSIS; Potassium-sensitive periodic paralysis, ventricular ectopy, and dysmorphic features; Andersen Syndrome; LONG QT SYNDROME 7; PERIODIC PARALYSIS, POTASSIUM-SENSITIVE CARDIODYSRHYTHMIC TYPE. Identifiers: Orphanet 37553, MedGen C1563715, MONDO:0008222, OMIM 170390.
Short QT syndrome type 3. Identifiers: Orphanet 51083, MedGen C1865018, MONDO:0012314, OMIM 609622.

Allele frequency attached by ClinVar (database versions not stated): gnomAD exomes below 0.00001 and 0.00001; gnomAD 0.00001; TOPMed 0.00001; ExAC 0.00002.

Submissions (4):

Labcorp Genetics (formerly Invitae), Labcorp
Classification: Uncertain significance for Short QT syndrome type 3; Andersen Tawil syndrome. Last evaluated: 2025-08-24. Review status: criteria provided, single submitter. Criteria: Invitae Variant Classification Sherloc (09022015). Collection method: clinical testing. Allele origin: germline.
Comment: This sequence change replaces isoleucine, which is neutral and non-polar, with valine, which is neutral and non-polar, at codon 261 of the KCNJ2 protein (p.Ile261Val). This variant is present in population databases (rs774461588, gnomAD 0.02%). This variant has not been reported in the literature in individuals affected with KCNJ2-related conditions. ClinVar contains an entry for this variant (Variation ID: 691668). Invitae Evidence Modeling of protein sequence and biophysical properties (such as structural, functional, and spatial information, amino acid conservation, physicochemical variation, residue mobility, and thermodynamic stability) has been performed for this missense variant. However, the output from this modeling did not meet the statistical confidence thresholds required to predict the impact of this variant on KCNJ2 protein function. In summary, the available evidence is currently insufficient to determine the role of this variant in disease. Therefore, it has been classified as a Variant of Uncertain Significance.

Ambry Genetics
Classification: Likely benign for Cardiovascular phenotype. Last evaluated: 2024-09-30. Review status: criteria provided, single submitter. Criteria: Ambry Variant Classification Scheme 2023. Collection method: clinical testing. Allele origin: germline.

GeneDx
Classification: Uncertain significance. Last evaluated: 2020-07-09. Review status: criteria provided, single submitter. Criteria: GeneDx Variant Classification Process June 2021. Collection method: clinical testing. Allele origin: germline. Affected: yes.
Comment: Has not been previously published as pathogenic or benign to our knowledge; Not observed at a significant frequency in large population cohorts (Lek et al., 2016); In silico analysis supports that this missense variant does not alter protein structure/function; Reported in ClinVar as a variant of uncertain significance (ClinVar Variant ID# 691668; Landrum et al., 2016)

Center for Advanced Laboratory Medicine, UC San Diego Health, University of California San Diego
Classification: Uncertain significance for Hypertrophic cardiomyopathy. Last evaluated: 2017-02-22. Review status: criteria provided, single submitter. Criteria: ACMG Guidelines, 2015. Collection method: clinical testing. Allele origin: germline. Affected: yes. Observed: 1 variant allele.

NM_000891.3(KCNJ2):c.781A>G (p.Ile261Val)

Gene: KCNJ2 (potassium inwardly rectifying channel subfamily J member 2; plus strand). Cytogenetic location: 17q24.3.
Variant type: single nucleotide variant.
Coding change: c.781A>G on transcript NM_000891.3 (MANE Select); coding-DNA position 781, A replaced by G.
Protein change: p.Ile261Val; replaces isoleucine 261 with valine.
Molecular consequence: missense variant.
Genome position (GRCh38, 1-based): chr17:70,175,820, A>G. VCF-style: chr17-70175820-A-G. GRCh37 (hg19) VCF-style: chr17-68171961-A-G.
Other names: short protein forms I261V.
Identifiers: ClinVar variation 691668 (VCV000691668.13), dbSNP rs774461588, ClinGen allele CA8738764.